The following is an entry in ClinVar:

ClinVar aggregate classification (germline): Uncertain significance (1 of 4 stars; one submission).

Conditions:
Bloom syndrome (BLM). Also called: Bloom-Torre-Machacek syndrome. Identifiers: Orphanet 125, MedGen C0005859, MONDO:0008876, OMIM 210900.

Submission:

Labcorp Genetics (formerly Invitae), Labcorp
Classification: Uncertain significance for Bloom syndrome. Last evaluated: 2023-12-25. Review status: criteria provided, single submitter. Criteria: Invitae Variant Classification Sherloc (09022015). Collection method: clinical testing. Allele origin: germline.
Comment: This sequence change falls in intron 8 of the BLM gene. It does not directly change the encoded amino acid sequence of the BLM protein. It affects a nucleotide within the consensus splice site. This variant is not present in population databases (gnomAD no frequency). This variant has not been reported in the literature in individuals affected with BLM-related conditions. Variants that disrupt the consensus splice site are a relatively common cause of aberrant splicing (PMID: 17576681, 9536098). Algorithms developed to predict the effect of sequence changes on RNA splicing suggest that this variant may disrupt the consensus splice site. In summary, the available evidence is currently insufficient to determine the role of this variant in disease. Therefore, it has been classified as a Variant of Uncertain Significance.

Literature cited by the submitters: PubMed 17576681; PubMed 9536098.

NM_000057.4(BLM):c.2074+5_2074+8del

Gene: BLM (BLM RecQ like helicase; plus strand). Cytogenetic location: 15q26.1.
Variant type: Microsatellite.
Coding change: c.2074+5_2074+8del on transcript NM_000057.4 (MANE Select); bases 5 to 8 of the intron after coding-DNA position 2074, 4 bases deleted (GTAT; older notation c.2074+5_2074+8delGTAT).
Molecular consequence: splice donor variant.
Genome position (GRCh38, 1-based): chr15:90,763,162-90,763,165, GTAT deleted; deleting any 4 consecutive bases within chr15:90,763,158-90,763,165 gives the same sequence; the c. name uses the placement nearest the transcript's 3' end. VCF-style (leftmost placement, unchanged base first): chr15-90763157-GGTAT-G. GRCh37 (hg19) VCF-style: chr15-91306387-GGTAT-G.
Other names: c.2074+5_2074+8del (NM_001287246.2, NM_001287247.2); c.949+5_949+8del (NM_001287248.2).
Identifiers: ClinVar variation 2705390 (VCV002705390.3), dbSNP rs2505435456, ClinGen allele CA2697549378.
Genomic context (GRCh38, chr15:90,763,157, plus strand): 5'-CAGCTAGAGGCGATCAATGCTGCACTGCTTGGTGAAGACTGTTTTATCCTGATGCCGACT[GGTAT>G]GTATTTTTAGAAGTGAATTGGCAGGAATCCATTGGCAGATGTTAAATGAAAGCTCTTTAA-3'